The following is an entry in ClinVar:

ClinVar aggregate classification (germline): Uncertain significance (1 of 4 stars; one submission).

Conditions:
HYPERHOMOCYSTEINEMIA, THROMBOTIC, CBS-RELATED. Identifiers: MedGen C3150344, OMIM 236200.

Submission:

Labcorp Genetics (formerly Invitae), Labcorp
Classification: Uncertain significance for HYPERHOMOCYSTEINEMIA, THROMBOTIC, CBS-RELATED. Last evaluated: 2022-04-12. Review status: criteria provided, single submitter. Criteria: Invitae Variant Classification Sherloc (09022015). Collection method: clinical testing. Allele origin: germline.
Comment: This sequence change replaces phenylalanine, which is neutral and non-polar, with leucine, which is neutral and non-polar, at codon 99 of the CBS protein (p.Phe99Leu). This variant is not present in population databases (gnomAD no frequency). This variant has not been reported in the literature in individuals affected with CBS-related conditions. ClinVar contains an entry for this variant (Variation ID: 236937). Algorithms developed to predict the effect of missense changes on protein structure and function (SIFT, PolyPhen-2, Align-GVGD) all suggest that this variant is likely to be tolerated. In summary, the available evidence is currently insufficient to determine the role of this variant in disease. Therefore, it has been classified as a Variant of Uncertain Significance.

NM_000071.3(CBS):c.297C>G (p.Phe99Leu)

Gene: CBS (cystathionine beta-synthase; minus strand). Cytogenetic location: 21q22.3.
Variant type: single nucleotide variant.
Coding change: c.297C>G on transcript NM_000071.3 (MANE Select); coding-DNA position 297, C replaced by G.
Protein change: p.Phe99Leu; replaces phenylalanine 99 with leucine.
Molecular consequence: missense variant.
Genome position (GRCh38, 1-based): chr21:43,068,528, G>C on the plus strand (C>G on the coding strand, the complement: CBS is on the minus strand). VCF-style: chr21-43068528-G-C. GRCh37 (hg19) VCF-style: chr21-44488638-G-C.
Other names: c.297C>G, p.Phe99Leu (NM_001178008.3, NM_001178009.3, NM_001320298.2); short protein forms F99L.
Identifiers: ClinVar variation 236937 (VCV000236937.6), dbSNP rs749697783, ClinGen allele CA10583890.